The following is an entry in ClinVar:

NM_001034116.2(EIF2B4):c.1173C>T (p.Ala391=)

Genes: EIF2B4 (eukaryotic translation initiation factor 2B subunit delta; minus strand), GTF3C2-AS2 (GTF3C2 antisense RNA 2; plus strand). Cytogenetic location: 2p23.3.
Variant type: single nucleotide variant.
Coding change: c.1173C>T on transcript NM_001034116.2 (MANE Select); coding-DNA position 1173, C replaced by T.
Protein change: p.Ala391=; no amino-acid change (alanine 391 retained).
Molecular consequence: synonymous variant.
Genome position (GRCh38, 1-based): chr2:27,366,777, G>A on the plus strand (C>T on the coding strand, the complement: EIF2B4 is on the minus strand). VCF-style: chr2-27366777-G-A. GRCh37 (hg19) VCF-style: chr2-27589644-G-A.
Other names: c.1236C>T, p.Ala412= (NM_001318965.2); c.1128C>T, p.Ala376= (NM_001318966.2); c.1080C>T, p.Ala360= (NM_001318967.2); c.588C>T, p.Ala196= (NM_001318968.2); c.555C>T, p.Ala185= (NM_001318969.2); c.1170C>T, p.Ala390= (NM_015636.4); c.1233C>T, p.Ala411= (NM_172195.4).
Identifiers: ClinVar variation 3027101 (VCV003027101.22), dbSNP rs1257522983, ClinGen allele CA425410525.

ClinVar aggregate classification (germline): Likely benign (1 of 4 stars; one submission).

Submission:

CeGaT Center for Human Genetics Tuebingen
Classification: Likely benign. Last evaluated: 2024-02-01. Review status: criteria provided, single submitter. Criteria: CeGaT Center For Human Genetics Tuebingen Variant Classification Criteria Version 2. Collection method: clinical testing. Allele origin: germline. Affected: yes. Observed: 1 variant allele.
Comment: EIF2B4: PM2:Supporting, BP4, BP7